The following is an entry in ClinVar:

ClinVar aggregate classification (germline): Likely benign. Review status: criteria provided, multiple submitters, no conflicts (2 of 4 stars). 2 submissions from 2 submitters: Likely benign (2). Last evaluated 2025-12-01.

gnomAD v4.1: 67 of 1,614,076 alleles (0.0042%); highest among the groups gnomAD compares: African/African-American, 0.0067%; no homozygotes.

Submissions (2):

CeGaT Center for Human Genetics Tuebingen
Classification: Likely benign. Last evaluated: 2025-12-01. Review status: criteria provided, single submitter. Criteria: CeGaT Center For Human Genetics Tuebingen Variant Classification Criteria Version 2. Collection method: clinical testing. Allele origin: germline. Affected: yes. Observed: 1 variant allele.
Comment: ZNF462: BP4, BP7

Blueprint Genetics
Classification: Likely benign. Last evaluated: 2024-08-23. Review status: criteria provided, single submitter. Criteria: ACMG Guidelines, 2015. Collection method: clinical testing. Allele origin: germline.

NM_021224.6(ZNF462):c.1488G>A (p.Thr496=)

Gene: ZNF462 (zinc finger protein 462; plus strand). Cytogenetic location: 9q31.2.
Variant type: single nucleotide variant.
Coding change: c.1488G>A on transcript NM_021224.6 (MANE Select); coding-DNA position 1488, G replaced by A.
Protein change: p.Thr496=; no amino-acid change (threonine 496 retained).
Molecular consequence: synonymous variant.
Genome position (GRCh38, 1-based): chr9:106,925,400, G>A. VCF-style: chr9-106925400-G-A. GRCh37 (hg19) VCF-style: chr9-109687681-G-A.
Other names: c.1488G>A, p.Thr496= (NM_001347997.2).
Identifiers: ClinVar variation 4681550 (VCV004681550.6).